The following is an entry in ClinVar:

NM_001754.5(RUNX1):c.1339C>T (p.Pro447Ser)

Gene: RUNX1 (RUNX family transcription factor 1; minus strand). Cytogenetic location: 21q22.12.
Variant type: single nucleotide variant.
Coding change: c.1339C>T on transcript NM_001754.5 (MANE Select); coding-DNA position 1339, C replaced by T.
Protein change: p.Pro447Ser; replaces proline 447 with serine.
Molecular consequence: missense variant.
Genome position (GRCh38, 1-based): chr21:34,792,239, G>A on the plus strand (C>T on the coding strand, the complement: RUNX1 is on the minus strand). VCF-style: chr21-34792239-G-A. GRCh37 (hg19) VCF-style: chr21-36164536-G-A.
Other names: NM_001754.5(RUNX1):c.1339C>T; p.Pro447Ser; c.1258C>T, p.Pro420Ser (NM_001001890.3); short protein forms P420S, P447S.
Identifiers: ClinVar variation 4158223 (VCV004158223.3).

ClinVar aggregate classification (germline): Uncertain significance. Review status: reviewed by expert panel (3 of 4 stars). 3 submissions from 3 submitters: Uncertain significance (1). 2 of the submissions do not count toward it. Last evaluated 2026-05-27.

Conditions:
Inborn genetic diseases. Identifiers: MedGen C0950123, MeSH D030342.
Hereditary thrombocytopenia and hematologic cancer predisposition syndrome. Identifiers: Orphanet 71290, MedGen CN281654, MONDO:0011071.

Submissions (3):

ClinGen Myeloid Malignancy Variant Curation Expert Panel
Classification: Uncertain significance for Hereditary thrombocytopenia and hematologic cancer predisposition syndrome. Last evaluated: 2026-05-27. Review status: reviewed by expert panel. Criteria: ClinGen MyeloMalig ACMG Specifications V3.1. Collection method: curation. Allele origin: germline. Inheritance: Autosomal dominant inheritance.
Comment: NM_001754.5(RUNX1):c.1339C>T (p.Pro447Ser) is a missense variant which is completely absent from all population databases with at least 20x coverage for RUNX1 (PM2_Supporting) and has a REVEL score <0.50 (0.169)(BP4). In summary, the clinical significance of this variant is uncertain. ACMG/AMP criteria applied, as specified by the Myeloid Malignancy Variant Curation Expert Panel for RUNX1: PM2_Supporting, BP4.

Ambry Genetics
Classification: Uncertain significance for Inborn genetic diseases. Last evaluated: 2025-08-12. Review status: criteria provided, single submitter. Criteria: Ambry Variant Classification Scheme 2023. Collection method: clinical testing. Allele origin: germline. Not counted in ClinVar's aggregate classification.
Comment: The p.P447S variant (also known as c.1339C>T), located in coding exon 8 of the RUNX1 gene, results from a C to T substitution at nucleotide position 1339. The proline at codon 447 is replaced by serine, an amino acid with similar properties. This amino acid position is conserved. In addition, this alteration is predicted to be tolerated by in silico analysis. Based on the available evidence, the clinical significance of this variant remains unclear.

Blueprint Genetics
Classification: Uncertain significance. Last evaluated: 2023-09-07. Review status: criteria provided, single submitter. Criteria: ACMG Guidelines, 2015. Collection method: clinical testing. Allele origin: germline. Not counted in ClinVar's aggregate classification.